The following is an entry in ClinVar:

ClinVar aggregate classification (germline): Uncertain significance (1 of 4 stars; one submission).

Submission:

Labcorp Genetics (formerly Invitae), Labcorp
Classification: Uncertain significance. Last evaluated: 2022-09-07. Review status: criteria provided, single submitter. Criteria: Invitae Variant Classification Sherloc (09022015). Collection method: clinical testing. Allele origin: germline.
Comment: This variant, c.2451_2459del, results in the deletion of 3 amino acid(s) of the COL18A1 protein (p.Asn817_Leu819del), but otherwise preserves the integrity of the reading frame. This variant is not present in population databases (gnomAD no frequency). This variant has not been reported in the literature in individuals affected with COL18A1-related conditions. ClinVar contains an entry for this variant (Variation ID: 1414691). Experimental studies and prediction algorithms are not available or were not evaluated, and the functional significance of this variant is currently unknown. In summary, the available evidence is currently insufficient to determine the role of this variant in disease. Therefore, it has been classified as a Variant of Uncertain Significance.

NM_001379500.1(COL18A1):c.2451_2459del (p.Asn817_Leu819del)

Gene: COL18A1 (collagen type XVIII alpha 1 chain; plus strand). Cytogenetic location: 21q22.3.
Variant type: Deletion.
Coding change: c.2451_2459del on transcript NM_001379500.1 (MANE Select); coding-DNA positions 2451 to 2459, 9 bases deleted (CGGATTGAA; older notation c.2451_2459delCGGATTGAA).
Protein change: p.Asn817_Leu819del.
Molecular consequence: inframe deletion.
Genome position (GRCh38, 1-based): chr21:45,495,375-45,495,383, CGGATTGAA deleted; deleting any 9 consecutive bases within chr21:45,495,371-45,495,383 gives the same sequence; the c. name uses the placement nearest the transcript's 3' end. VCF-style (leftmost placement, unchanged base first): chr21-45495370-ATGAACGGAT-A. GRCh37 (hg19) VCF-style: chr21-46915284-ATGAACGGAT-A.
Other names: c.2991_2999del, p.Asn997_Leu999del (NM_030582.4); c.3696_3704del, p.Asn1232_Leu1234del (NM_130444.3).
Identifiers: ClinVar variation 1414691 (VCV001414691.6), dbSNP rs1568927603, ClinGen allele CA914669652.